The following is an entry in ClinVar:

NM_144997.7(FLCN):c.1188C>T (p.Pro396=)

Gene: FLCN (folliculin; minus strand). Cytogenetic location: 17p11.2.
Variant type: single nucleotide variant.
Coding change: c.1188C>T on transcript NM_144997.7 (MANE Select); coding-DNA position 1188, C replaced by T.
Protein change: p.Pro396=; no amino-acid change (proline 396 retained).
Molecular consequence: synonymous variant.
Genome position (GRCh38, 1-based): chr17:17,216,492, G>A on the plus strand (C>T on the coding strand, the complement: FLCN is on the minus strand). VCF-style: chr17-17216492-G-A. GRCh37 (hg19) VCF-style: chr17-17119806-G-A.
Other names: c.1242C>T, p.Pro414= (NM_001353229.2); c.1188C>T, p.Pro396= (NM_001353230.2, NM_001353231.2).
Identifiers: ClinVar variation 706879 (VCV000706879.10), dbSNP rs1025539940, ClinGen allele CA288307401.
Genomic context (GRCh38, chr17:17,216,492, plus strand): 5'-GTTGCACCGATAGGCCTCCTCGTACTGGCTGCTGTATGGGATGATGCGGACGCAGCCCAC[G>A]GGAAGCATGGTCTGAGGAGGACAGCAGGACTCAGACCAAGGACACGAGGAAGCCCTCAGC-3'
Protein context (NP_659434.2, residues 386-406): SAFEVLRTML[Pro396=]VGCVRIIPYS

ClinVar aggregate classification (germline): Benign/Likely benign. Review status: criteria provided, multiple submitters, no conflicts (2 of 4 stars). 3 submissions from 3 submitters: Benign (1); Likely benign (2). Last evaluated 2025-09-04.

Conditions:
Birt-Hogg-Dube syndrome 1 (BHD1). Also called: FIBROFOLLICULOMAS WITH TRICHODISCOMAS AND ACROCHORDONS. Identifiers: Orphanet 122, MedGen CN375946, MONDO:0800445, OMIM 135150.
Hereditary cancer-predisposing syndrome. Also called: Tumor predisposition; Hereditary neoplastic syndrome; Neoplastic Syndromes, Hereditary; Hereditary Cancer Syndrome. Identifiers: Orphanet 140162, MedGen C0027672, MeSH D009386, MONDO:0015356.
Birt-Hogg-Dube syndrome. Also called: Birt Hogg Dubé syndrome. Identifiers: Orphanet 122, MedGen C0346010, MONDO:0800444.

Allele frequency attached by ClinVar (database versions not stated): gnomAD exomes below 0.00001; TOPMed below 0.00001.
gnomAD v4.1: 7 of 1,613,804 alleles (0.00043%); highest among the groups gnomAD compares: East Asian, 0.0045%; no homozygotes.

Submissions (3):

Labcorp Genetics (formerly Invitae), Labcorp
Classification: Likely benign for Birt-Hogg-Dube syndrome. Last evaluated: 2025-09-04. Review status: criteria provided, single submitter. Criteria: Invitae Variant Classification Sherloc (09022015). Collection method: clinical testing. Allele origin: germline.

Myriad Genetics, Inc.
Classification: Benign for Birt-Hogg-Dube syndrome 1. Last evaluated: 2024-10-24. Review status: criteria provided, single submitter. Criteria: Myriad Autosomal Dominant, Autosomal Recessive and X-Linked Classification Criteria (2023). Collection method: clinical testing. Allele origin: unknown.
Comment: This variant is considered benign. This variant is a silent/synonymous amino acid change and it is not expected to impact splicing.

Ambry Genetics
Classification: Likely benign for Hereditary cancer-predisposing syndrome. Last evaluated: 2022-09-01. Review status: criteria provided, single submitter. Criteria: Ambry Variant Classification Scheme 2023. Collection method: clinical testing. Allele origin: germline.